The following is an entry in ClinVar:

ClinVar aggregate classification (germline): Pathogenic/Likely pathogenic. Review status: criteria provided, multiple submitters, no conflicts (2 of 4 stars). 3 submissions from 3 submitters: Pathogenic (1); Likely pathogenic (2). Last evaluated 2024-05-02.

Conditions:
Renal carnitine transport defect (CDSP). Also called: Systemic primary carnitine deficiency; Primary carnitine deficiency; CARNITINE DEFICIENCY, SYSTEMIC, DUE TO DEFECT IN RENAL REABSORPTION OF CARNITINE; CARNITINE TRANSPORTER, PLASMA-MEMBRANE, DEFICIENCY OF; CARNITINE UPTAKE DEFECT; Systemic primary carnitine deficiency disease. Identifiers: Orphanet 158, MedGen C0342788, MONDO:0008919, OMIM 212140.

Allele frequency attached by ClinVar (database versions not stated): gnomAD exomes below 0.00001; TOPMed below 0.00001; gnomAD 0.00001.
gnomAD v4.1: 4 of 1,614,044 alleles (0.00025%); highest among the groups gnomAD compares: Non-Finnish European, 0.00034%; no homozygotes.

Submissions (3):

Fulgent Genetics
Classification: Likely pathogenic for Renal carnitine transport defect. Last evaluated: 2024-05-02. Review status: criteria provided, single submitter. Criteria: ACMG Guidelines, 2015. Collection method: clinical testing. Allele origin: germline.

Women's Health and Genetics/Laboratory Corporation of America, LabCorp
Classification: Likely pathogenic for Renal carnitine transport defect. Last evaluated: 2024-05-02. Review status: criteria provided, single submitter. Criteria: LabCorp Variant Classification Summary - May 2015. Collection method: clinical testing. Allele origin: germline.
Comment: Variant summary: SLC22A5 c.847T>C (p.Trp283Arg) results in a non-conservative amino acid change located in the Major facilitator superfamily domain (IPR020846) of the encoded protein sequence. Five of five in-silico tools predict a damaging effect of the variant on protein function. Consensus agreement among computation tools predict no significant impact on normal splicing. However, these predictions have yet to be confirmed by functional studies. The variant was absent in 251492 control chromosomes. c.847T>C has been reported in the literature in an individual affected with Systemic Primary Carnitine Deficiency (Mayatepek_2000). Additionally another variant (c.847T>A) resulting in the same amino acid (p.Trp283Arg) has been observed in a homozygous individual (Fregeni_2017). At least one publication reports experimental evidence evaluating an impact on protein function. The most pronounced variant effect results in decreased transport activity (Mayatepek_2000, Fregeni_2017). The following publications have been ascertained in the context of this evaluation (PMID: 28841266, 12210323, 10612840).ClinVar contains an entry for this variant (Variation ID: 1424747). Based on the evidence outlined above, the variant was classified as likely pathogenic.

Labcorp Genetics (formerly Invitae), Labcorp
Classification: Pathogenic for Renal carnitine transport defect. Last evaluated: 2023-03-20. Review status: criteria provided, single submitter. Criteria: Invitae Variant Classification Sherloc (09022015). Collection method: clinical testing. Allele origin: germline.
Comment: ClinVar contains an entry for this variant (Variation ID: 1424747). For these reasons, this variant has been classified as Pathogenic. Algorithms developed to predict the effect of sequence changes on RNA splicing suggest that this variant may disrupt the consensus splice site. Experimental studies have shown that this missense change affects SLC22A5 function (PMID: 10612840). Advanced modeling of protein sequence and biophysical properties (such as structural, functional, and spatial information, amino acid conservation, physicochemical variation, residue mobility, and thermodynamic stability) performed at Invitae indicates that this missense variant is expected to disrupt SLC22A5 protein function. This variant is also known as a T->C transition at nucleotide position (nt) 7305. This missense change has been observed in individual(s) with primary carnitine deficiency (PMID: 10612840). In at least one individual the data is consistent with being in trans (on the opposite chromosome) from a pathogenic variant. This variant is not present in population databases (gnomAD no frequency). This sequence change replaces tryptophan, which is neutral and slightly polar, with arginine, which is basic and polar, at codon 283 of the SLC22A5 protein (p.Trp283Arg).

Literature cited by the submitters: PubMed 28841266 (cited by Women's Health and Genetics/Laboratory Corporation of America, LabCorp); PubMed 12210323 (cited by Women's Health and Genetics/Laboratory Corporation of America, LabCorp); PubMed 10612840 (cited by Women's Health and Genetics/Laboratory Corporation of America, LabCorp and Labcorp Genetics (formerly Invitae), Labcorp).

NM_003060.4(SLC22A5):c.847T>C (p.Trp283Arg)

Gene: SLC22A5 (solute carrier family 22 member 5; plus strand). Cytogenetic location: 5q31.1.
Variant type: single nucleotide variant.
Coding change: c.847T>C on transcript NM_003060.4 (MANE Select); coding-DNA position 847, T replaced by C.
Protein change: p.Trp283Arg; replaces tryptophan 283 with arginine.
Molecular consequence: missense variant.
Genome position (GRCh38, 1-based): chr5:132,387,047, T>C. VCF-style: chr5-132387047-T-C. GRCh37 (hg19) VCF-style: chr5-131722739-T-C.
Other names: c.919T>C, p.Trp307Arg (NM_001308122.2); short protein forms W307R.
Identifiers: ClinVar variation 1424747 (VCV001424747.8), dbSNP rs72552729, ClinGen allele CA342662.